The following is an entry in ClinVar:

ClinVar aggregate classification (germline): Likely pathogenic (1 of 4 stars; one submission).

Conditions:
Colorectal cancer, susceptibility to, 12 (CRCS12). Also called: COLORECTAL CANCER, SUSCEPTIBILITY TO, ON CHROMOSOME 12q24. Identifiers: Orphanet 220460, MedGen C3554460, MONDO:0014038, OMIM 615083.

Submission:

Labcorp Genetics (formerly Invitae), Labcorp
Classification: Likely pathogenic for Colorectal cancer, susceptibility to, 12. Last evaluated: 2022-07-05. Review status: criteria provided, single submitter. Criteria: Invitae Variant Classification Sherloc (09022015). Collection method: clinical testing. Allele origin: germline.
Comment: This sequence change affects an acceptor splice site in intron 6 of the POLE gene. It is expected to disrupt RNA splicing. Variants that disrupt the donor or acceptor splice site typically lead to a loss of protein function (PMID: 16199547), and loss-of-function variants in POLE are known to be pathogenic (PMID: 23230001, 25948378, 30503519). This variant is not present in population databases (gnomAD no frequency). This variant has not been reported in the literature in individuals affected with POLE-related conditions. Algorithms developed to predict the effect of sequence changes on RNA splicing suggest that this variant may disrupt the consensus splice site. In summary, the currently available evidence indicates that the variant is pathogenic, but additional data are needed to prove that conclusively. Therefore, this variant has been classified as Likely Pathogenic.

Literature cited by the submitters: PubMed 16199547; PubMed 23230001; PubMed 25948378; PubMed 30503519.

NM_006231.4(POLE):c.579-1G>C

Gene: POLE (DNA polymerase epsilon, catalytic subunit; minus strand). Cytogenetic location: 12q24.33.
Variant type: single nucleotide variant.
Coding change: c.579-1G>C on transcript NM_006231.4 (MANE Select); the canonical splice acceptor site of the intron before coding-DNA position 579, G replaced by C.
Molecular consequence: splice acceptor variant.
Genome position (GRCh38, 1-based): chr12:132,677,720, C>G on the plus strand (G>C on the coding strand, the complement: POLE is on the minus strand). VCF-style: chr12-132677720-C-G. GRCh37 (hg19) VCF-style: chr12-133254306-C-G.
Identifiers: ClinVar variation 2179302 (VCV002179302.1), dbSNP rs775867835, ClinGen allele CA387365506.